The following is an entry in ClinVar:

ClinVar aggregate classification (germline): Uncertain significance (1 of 4 stars; one submission).

Submission:

Labcorp Genetics (formerly Invitae), Labcorp
Classification: Uncertain significance. Last evaluated: 2022-02-20. Review status: criteria provided, single submitter. Criteria: Invitae Variant Classification Sherloc (09022015). Collection method: clinical testing. Allele origin: germline.
Comment: In summary, the available evidence is currently insufficient to determine the role of this variant in disease. Therefore, it has been classified as a Variant of Uncertain Significance. Experimental studies and prediction algorithms are not available or were not evaluated, and the functional significance of this variant is currently unknown. This variant has not been reported in the literature in individuals affected with KIZ-related conditions. This variant is not present in population databases (gnomAD no frequency). This sequence change replaces aspartic acid, which is acidic and polar, with histidine, which is basic and polar, at codon 172 of the KIZ protein (p.Asp172His).

NM_018474.6(KIZ):c.514G>C (p.Asp172His)

Gene: KIZ (kizuna centrosomal protein; plus strand). Cytogenetic location: 20p11.23.
Variant type: single nucleotide variant.
Coding change: c.514G>C on transcript NM_018474.6 (MANE Select); coding-DNA position 514, G replaced by C.
Protein change: p.Asp172His; replaces aspartic acid 172 with histidine.
Molecular consequence: missense variant.
Genome position (GRCh38, 1-based): chr20:21,161,979, G>C. VCF-style: chr20-21161979-G-C. GRCh37 (hg19) VCF-style: chr20-21142620-G-C.
Other names: c.205G>C, p.Asp69His (NM_001163022.3, NM_001352435.2); c.115G>C, p.Asp39His (NM_001163023.3); c.367G>C, p.Asp123His (NM_001276389.2); c.514G>C, p.Asp172His (NM_001352434.2); c.172G>C, p.Asp58His (NM_001352436.2); short protein forms D58H, D172H, D69H, D123H, D39H.
Identifiers: ClinVar variation 2099793 (VCV002099793.4), dbSNP rs2519753858, ClinGen allele CA408491556.
Genomic context (GRCh38, chr20:21,161,979, plus strand): 5'-TTGTATCAACCAGCAACAATCTTTATGGGCCGCCAAATGTCAGCCATCTTAAGCATGAGA[G>C]ATTTCAGTACAGAGCACAAATCTCCCCAGCCCACAAAGAACTTTTCAATTCCTGACCCAC-3'
Protein context (NP_060944.3, residues 162-182): RQMSAILSMR[Asp172His]FSTEHKSPQP